The following is an entry in ClinVar:

ClinVar aggregate classification (germline): Uncertain significance. Review status: criteria provided, multiple submitters, no conflicts (2 of 4 stars). 2 submissions from 2 submitters: Uncertain significance (2). Last evaluated 2026-01-05.

Conditions:
Malignant hyperthermia, susceptibility to, 1 (MHS1). Also called: Anesthesia related hyperthermia; Malignant hyperpyrexia; Fulminating hyperpyrexia; Pharmacogenic myopathy; RYR1-Related Malignant Hyperthermia Susceptibility; Malignant hyperthermia suceptibility 1. Identifiers: Orphanet 423, MedGen C2930980, MONDO:0007783, OMIM 145600.
Inborn genetic diseases. Identifiers: MedGen C0950123, MeSH D030342.

Allele frequency attached by ClinVar (database versions not stated): gnomAD exomes below 0.00001.
gnomAD v4.1: 5 of 1,605,726 alleles (0.00031%); highest among the groups gnomAD compares: South Asian, 0.0022%; 1 homozygote.

Submissions (2):

Ambry Genetics
Classification: Uncertain significance for Inborn genetic diseases. Last evaluated: 2026-01-05. Review status: criteria provided, single submitter. Criteria: Ambry Variant Classification Scheme 2023. Collection method: clinical testing. Allele origin: germline.

All of Us Research Program, National Institutes of Health
Classification: Uncertain significance for Malignant hyperthermia, susceptibility to, 1. Last evaluated: 2023-10-06. Review status: criteria provided, single submitter. Criteria: ACMG Guidelines, 2015. Collection method: clinical testing. Allele origin: germline. Inheritance: Autosomal dominant inheritance. Observed: 1 variant allele, 1 heterozygote.
Comment: This missense variant replaces arginine with cysteine at codon 2403 of the RYR1 protein. Computational prediction suggests that this variant may have deleterious impact on protein structure and function (internally defined REVEL score threshold >= 0.7, PMID: 27666373). To our knowledge, functional studies have not been reported for this variant. This variant has not been reported in individuals affected with RYR1-related disorders in the literature. This variant has not been identified in the general population by the Genome Aggregation Database (gnomAD). The available evidence is insufficient to determine the role of this variant in disease conclusively. Therefore, this variant is classified as a Variant of Uncertain Significance.

This study involves interpretation of variants in research participants for the purpose of population health screening. Participant phenotype was not available at the time of variant classification. Additional details can be found in publication PMID: 35346344, PMCID: PMC8962531

NM_000540.3(RYR1):c.7207C>T (p.Arg2403Cys)

Gene: RYR1 (ryanodine receptor 1; plus strand). Cytogenetic location: 19q13.2.
Variant type: single nucleotide variant.
Coding change: c.7207C>T on transcript NM_000540.3 (MANE Select); coding-DNA position 7207, C replaced by T.
Protein change: p.Arg2403Cys; replaces arginine 2403 with cysteine.
Molecular consequence: missense variant.
Genome position (GRCh38, 1-based): chr19:38,499,814, C>T. VCF-style: chr19-38499814-C-T. GRCh37 (hg19) VCF-style: chr19-38990454-C-T.
Other names: c.7207C>T, p.Arg2403Cys (NM_001042723.2); short protein forms R2403C.
Identifiers: ClinVar variation 3073745 (VCV003073745.2), dbSNP rs1241302558, ClinGen allele CA082358.